The following is an entry in ClinVar:

ClinVar aggregate classification (germline): Conflicting classifications of pathogenicity. Review status: criteria provided, conflicting classifications (1 of 4 stars). 3 submissions from 3 submitters: Uncertain significance (2); Likely benign (1). Last evaluated 2025-07-21.

Conditions:
Hereditary cancer-predisposing syndrome. Also called: Neoplastic Syndromes, Hereditary; Hereditary Cancer Syndrome; Tumor predisposition; Hereditary neoplastic syndrome. Identifiers: Orphanet 140162, MedGen C0027672, MeSH D009386, MONDO:0015356.
Gorlin syndrome. Also called: Nevoid Basal Cell Carcinoma Syndrome; Basal cell nevus syndrome. Identifiers: Orphanet 377, MedGen C0004779, MONDO:0007187.

Allele frequency attached by ClinVar (database versions not stated): ExAC 0.00001; gnomAD exomes 0.00001.
gnomAD v4.1: 2 of 1,613,704 alleles (0.00012%); highest among the groups gnomAD compares: Non-Finnish European, 0.00017%; no homozygotes.

Submissions (3):

GeneDx
Classification: Uncertain significance. Last evaluated: 2025-07-21. Review status: criteria provided, single submitter. Criteria: GeneDx Variant Classification Process June 2021. Collection method: clinical testing. Allele origin: germline. Affected: yes.
Comment: Not observed at significant frequency in large population cohorts (gnomAD); In silico analysis supports that this missense variant has a deleterious effect on protein structure/function; Has not been previously published as pathogenic or benign to our knowledge

Ambry Genetics
Classification: Uncertain significance for Hereditary cancer-predisposing syndrome. Last evaluated: 2024-08-17. Review status: criteria provided, single submitter. Criteria: Ambry Variant Classification Scheme 2023. Collection method: clinical testing. Allele origin: germline.
Comment: The p.V104A variant (also known as c.311T>C), located in coding exon 2 of the PTCH1 gene, results from a T to C substitution at nucleotide position 311. The valine at codon 104 is replaced by alanine, an amino acid with similar properties. This amino acid position is conserved. In addition, this alteration is predicted to be deleterious by in silico analysis. Since supporting evidence is limited at this time, the clinical significance of this alteration remains unclear.

Labcorp Genetics (formerly Invitae), Labcorp
Classification: Likely benign for Gorlin syndrome. Last evaluated: 2022-05-16. Review status: criteria provided, single submitter. Criteria: Invitae Variant Classification Sherloc (09022015). Collection method: clinical testing. Allele origin: germline.

NM_000264.5(PTCH1):c.311T>C (p.Val104Ala)

Gene: PTCH1 (patched 1; minus strand). Cytogenetic location: 9q22.32.
Variant type: single nucleotide variant.
Coding change: c.311T>C on transcript NM_000264.5 (MANE Select); coding-DNA position 311, T replaced by C.
Protein change: p.Val104Ala; replaces valine 104 with alanine.
Molecular consequence: missense variant. On other transcripts: 5 prime UTR variant (4), non-coding transcript variant (1).
Genome position (GRCh38, 1-based): chr9:95,506,490, A>G on the plus strand (T>C on the coding strand, the complement: PTCH1 is on the minus strand). VCF-style: chr9-95506490-A-G. GRCh37 (hg19) VCF-style: chr9-98268772-A-G.
Other names: c.113T>C, p.Val38Ala (NM_001083602.3, NM_001354919.2); c.308T>C, p.Val103Ala (NM_001083603.3); c.-143T>C (NM_001083604.3, NM_001083605.3, NM_001083606.3 and 1 more transcripts); c.311T>C, p.Val104Ala (NM_001354918.2); short protein forms V103A, V104A, V38A.
Identifiers: ClinVar variation 1303528 (VCV001303528.15), dbSNP rs746275162, ClinGen allele CA5138988.